The following is an entry in ClinVar:

NM_018076.5(ODAD2):c.1645_1646del (p.Lys549fs)

Gene: ODAD2 (outer dynein arm docking complex subunit 2; minus strand). Cytogenetic location: 10p12.1.
Variant type: Deletion.
Coding change: c.1645_1646del on transcript NM_018076.5 (MANE Select); coding-DNA positions 1645 to 1646, 2 bases deleted (AA; older notation c.1645_1646delAA).
Protein change: p.Lys549fs; shifts the reading frame from lysine 549.
Molecular consequence: frameshift variant.
Genome position (GRCh38, 1-based): chr10:27,944,319-27,944,320, TT deleted on the plus strand (AA on the coding strand, the reverse complement: ODAD2 is on the minus strand). VCF-style (leftmost placement, unchanged base first): chr10-27944318-CTT-C. GRCh37 (hg19) VCF-style: chr10-28233247-CTT-C.
Other names: c.1645_1646del, p.Lys549fs (NM_001290020.2); c.220_221del, p.Lys74fs (NM_001290021.2); c.721_722del, p.Lys241fs (NM_001312689.2); short protein forms K241fs, K549fs, K74fs.
Identifiers: ClinVar variation 3677573 (VCV003677573.2).
Genomic context (GRCh38, chr10:27,944,318, plus strand): 5'-CCGTGCTCTTTTAAACTTGGCAACATTCGCGATAGTCTCGGCTGCCAAACATTTTAGACT[CTT>C]GTGTGGAGAATCAAGTATATTCACCATAATTGGTAAGCCCCCAAGGTCAACAATATTCTG-3'

ClinVar aggregate classification (germline): Pathogenic (1 of 4 stars; one submission).

Conditions:
Primary ciliary dyskinesia 23 (CILD23). Also called: CILIARY DYSKINESIA, PRIMARY, 23, WITH OR WITHOUT SITUS INVERSUS. Identifiers: Orphanet 244, MedGen C3809548, MONDO:0014193, OMIM 615451.

Submission:

Labcorp Genetics (formerly Invitae), Labcorp
Classification: Pathogenic for Primary ciliary dyskinesia 23. Last evaluated: 2024-09-29. Review status: criteria provided, single submitter. Criteria: Invitae Variant Classification Sherloc (09022015). Collection method: clinical testing. Allele origin: germline.
Comment: This sequence change creates a premature translational stop signal (p.Lys549Glufs*17) in the ARMC4 gene. It is expected to result in an absent or disrupted protein product. Loss-of-function variants in ARMC4 are known to be pathogenic (PMID: 23849778). This variant is not present in population databases (gnomAD no frequency). This variant has not been reported in the literature in individuals affected with ARMC4-related conditions. For these reasons, this variant has been classified as Pathogenic.

Literature cited by the submitters: PubMed 23849778.